The following is an entry in ClinVar:

ClinVar aggregate classification (germline): Uncertain significance. Review status: criteria provided, multiple submitters, no conflicts (2 of 4 stars). 3 submissions from 3 submitters: Uncertain significance (3). Last evaluated 2025-08-09.

Conditions:
PROS1-related disorder. Also called: PROS1-related condition.
Inborn genetic diseases. Identifiers: MedGen C0950123, MeSH D030342.
Thrombophilia due to protein S deficiency, autosomal recessive (THPH6). Identifiers: Orphanet 743, MedGen C3281092, MONDO:0013791, OMIM 614514. Disease mechanism: loss of function.

Allele frequency attached by ClinVar (database versions not stated): gnomAD exomes 0.00001 and 0.00006; ExAC 0.00005; gnomAD 0.00012 and 0.00015; TOPMed 0.00013; 1000 Genomes Project 30x 0.00031; 1000 Genomes Project 0.00040.
gnomAD v4.1: 37 of 1,612,790 alleles (0.0023%); highest among the groups gnomAD compares: African/African-American, 0.047%; no homozygotes.

Submissions (3):

Ambry Genetics
Classification: Uncertain significance for Inborn genetic diseases. Last evaluated: 2025-08-09. Review status: criteria provided, single submitter. Criteria: Ambry Variant Classification Scheme 2023. Collection method: clinical testing. Allele origin: germline.

PreventionGenetics, part of Exact Sciences
Classification: Uncertain significance for PROS1-related condition. Last evaluated: 2025-07-07. Review status: criteria provided, single submitter. Criteria: ACMG Guidelines, 2015. Collection method: clinical testing. Allele origin: germline.
Comment: The PROS1 c.1727A>T variant is predicted to result in the amino acid substitution p.Glu576Val. To our knowledge, this variant has not been reported in the literature. This variant is reported in 0.092% of alleles in individuals of African descent in gnomAD. Although we suspect that this variant may be benign, at this time, the clinical significance of this variant is uncertain due to the absence of conclusive functional and genetic evidence.

Labcorp Genetics (formerly Invitae), Labcorp
Classification: Uncertain significance for Thrombophilia due to protein S deficiency, autosomal recessive. Last evaluated: 2021-06-28. Review status: criteria provided, single submitter. Criteria: Invitae Variant Classification Sherloc (09022015). Collection method: clinical testing. Allele origin: germline.
Comment: In summary, the available evidence is currently insufficient to determine the role of this variant in disease. Therefore, it has been classified as a Variant of Uncertain Significance. Algorithms developed to predict the effect of sequence changes on RNA splicing suggest that this variant may create or strengthen a splice site, but this prediction has not been confirmed by published transcriptional studies. Algorithms developed to predict the effect of missense changes on protein structure and function output the following: SIFT: "Tolerated"; PolyPhen-2: "Benign"; Align-GVGD: "Class C0". The valine amino acid residue is found in multiple mammalian species, suggesting that this missense change does not adversely affect protein function. These predictions have not been confirmed by published functional studies and their clinical significance is uncertain. This variant has been observed in individual(s) with clinical features of protein S deficiency (Invitae). This variant is present in population databases (rs528604865, ExAC 0.06%). This sequence change replaces glutamic acid with valine at codon 576 of the PROS1 protein (p.Glu576Val). The glutamic acid residue is weakly conserved and there is a moderate physicochemical difference between glutamic acid and valine.

NM_000313.4(PROS1):c.1727A>T (p.Glu576Val)

Gene: PROS1 (protein S; minus strand). Cytogenetic location: 3q11.1.
Variant type: single nucleotide variant.
Coding change: c.1727A>T on transcript NM_000313.4 (MANE Select); coding-DNA position 1727, A replaced by T.
Protein change: p.Glu576Val; replaces glutamic acid 576 with valine.
Molecular consequence: missense variant.
Genome position (GRCh38, 1-based): chr3:93,877,109, T>A on the plus strand (A>T on the coding strand, the complement: PROS1 is on the minus strand). VCF-style: chr3-93877109-T-A. GRCh37 (hg19) VCF-style: chr3-93595953-T-A.
Other names: c.1727A>T (NM_000313.3); c.1823A>T, p.Glu608Val (NM_001314077.2); short protein forms E608V, E576V.
Identifiers: ClinVar variation 1037863 (VCV001037863.5), dbSNP rs528604865, ClinGen allele CA2503110.